The following is an entry in ClinVar:

ClinVar aggregate classification (germline): Uncertain significance (1 of 4 stars; one submission).

Allele frequency attached by ClinVar (database versions not stated): gnomAD exomes below 0.00001.
gnomAD v4.1: 5 of 1,613,922 alleles (0.00031%); highest among the groups gnomAD compares: South Asian, 0.0044%; no homozygotes.

Submission:

GeneDx
Classification: Uncertain significance. Last evaluated: 2024-08-12. Review status: criteria provided, single submitter. Criteria: GeneDx Variant Classification Process June 2021. Collection method: clinical testing. Allele origin: germline. Affected: yes.
Comment: Not observed at significant frequency in large population cohorts (gnomAD); In silico analysis supports that this missense variant has a deleterious effect on protein structure/function; Has not been previously published as pathogenic or benign to our knowledge; This substitution is predicted to be in the cytoplasmic loop between the first and second homologous domains

NM_001040142.2(SCN2A):c.1412C>T (p.Ser471Leu)

Gene: SCN2A (sodium voltage-gated channel alpha subunit 2; plus strand). Cytogenetic location: 2q24.3.
Variant type: single nucleotide variant.
Coding change: c.1412C>T on transcript NM_001040142.2 (MANE Select); coding-DNA position 1412, C replaced by T.
Protein change: p.Ser471Leu; replaces serine 471 with leucine.
Molecular consequence: missense variant.
Genome position (GRCh38, 1-based): chr2:165,315,499, C>T. VCF-style: chr2-165315499-C-T. GRCh37 (hg19) VCF-style: chr2-166172009-C-T.
Other names: c.1412C>T, p.Ser471Leu (NM_001040143.2, NM_001371246.1, NM_001371247.1 and 1 more transcripts); short protein forms S471L.
Identifiers: ClinVar variation 1316055 (VCV001316055.3), dbSNP rs2105259560, ClinGen allele CA349022700.